The following is an entry in ClinVar:

ClinVar aggregate classification (germline): Uncertain significance (1 of 4 stars; one submission).

Conditions:
Hereditary cancer-predisposing syndrome. Also called: Neoplastic Syndromes, Hereditary; Tumor predisposition; Hereditary neoplastic syndrome; Hereditary Cancer Syndrome. Identifiers: Orphanet 140162, MedGen C0027672, MeSH D009386, MONDO:0015356.

Submission:

Ambry Genetics
Classification: Uncertain significance for Hereditary cancer-predisposing syndrome. Last evaluated: 2024-02-02. Review status: criteria provided, single submitter. Criteria: Ambry Variant Classification Scheme 2023. Collection method: clinical testing. Allele origin: germline.
Comment: The p.S834R variant (also known as c.2500A>C), located in coding exon 4 of the MSH6 gene, results from an A to C substitution at nucleotide position 2500. The serine at codon 834 is replaced by arginine, an amino acid with dissimilar properties. This amino acid position is conserved. In addition, the in silico prediction for this alteration is inconclusive. Based on the available evidence, the clinical significance of this alteration remains unclear.

NM_000179.3(MSH6):c.2500A>C (p.Ser834Arg)

Gene: MSH6 (mutS homolog 6; plus strand). Cytogenetic location: 2p16.3.
Variant type: single nucleotide variant.
Coding change: c.2500A>C on transcript NM_000179.3 (MANE Select); coding-DNA position 2500, A replaced by C.
Protein change: p.Ser834Arg; replaces serine 834 with arginine.
Molecular consequence: missense variant. On other transcripts: non-coding transcript variant (5), intron variant (3).
Genome position (GRCh38, 1-based): chr2:47,800,483, A>C. VCF-style: chr2-47800483-A-C. GRCh37 (hg19) VCF-style: chr2-48027622-A-C.
Other names: c.2110A>C, p.Ser704Arg (NM_001281492.2); c.1594A>C, p.Ser532Arg (NM_001281493.2, NM_001281494.2, NM_001406811.1 and 6 more transcripts); c.2596A>C, p.Ser866Arg (NM_001406795.1, NM_001406802.1); c.2500A>C, p.Ser834Arg (NM_001406796.1, NM_001406798.1, NM_001406800.1 and 2 more transcripts); c.2203A>C, p.Ser735Arg (NM_001406797.1, NM_001406801.1, NM_001406805.1 and 10 more transcripts); c.1975A>C, p.Ser659Arg (NM_001406799.1, NM_001406806.1, NM_001406807.1); c.2422A>C, p.Ser808Arg (NM_001406804.1); c.2506A>C, p.Ser836Arg (NM_001406813.1); and 4 more; short protein forms S532R, S659R, S704R, S735R, S778R, S808R, S834R, S836R.
Identifiers: ClinVar variation 3230533 (VCV003230533.1), dbSNP rs2104409836, ClinGen allele CA346754244.
Genomic context (GRCh38, chr2:47,800,483, plus strand): 5'-AAGCTTCCAGATCTTGAGAGGCTACTCAGTAAAATTCATAATGTTGGGTCTCCCCTGAAG[A>C]GTCAGAACCACCCAGACAGCAGGGCTATAATGTATGAAGAAACTACATACAGCAAGAAGA-3'
Protein context (NP_000170.1, residues 824-844): KIHNVGSPLK[Ser834Arg]QNHPDSRAIM